The following is an entry in ClinVar:

ClinVar aggregate classification (germline): Uncertain significance (1 of 4 stars; one submission).

Submission:

GeneDx
Classification: Uncertain significance. Last evaluated: 2024-03-07. Review status: criteria provided, single submitter. Criteria: GeneDx Variant Classification Process June 2021. Collection method: clinical testing. Allele origin: germline. Affected: yes.
Comment: Not observed at significant frequency in large population cohorts (gnomAD); In silico analysis supports that this missense variant has a deleterious effect on protein structure/function; Has not been previously published as pathogenic or benign to our knowledge

NM_138383.3(MTSS2):c.206G>A (p.Gly69Glu)

Gene: MTSS2 (MTSS I-BAR domain containing 2; minus strand). Cytogenetic location: 16q22.1.
Variant type: single nucleotide variant.
Coding change: c.206G>A on transcript NM_138383.3 (MANE Select); coding-DNA position 206, G replaced by A.
Protein change: p.Gly69Glu; replaces glycine 69 with glutamic acid.
Molecular consequence: missense variant.
Genome position (GRCh38, 1-based): chr16:70,680,055, C>T on the plus strand (G>A on the coding strand, the complement: MTSS2 is on the minus strand). VCF-style: chr16-70680055-C-T. GRCh37 (hg19) VCF-style: chr16-70713958-C-T.
Other names: short protein forms G69E.
Identifiers: ClinVar variation 3370691 (VCV003370691.1).
Genomic context (GRCh38, chr16:70,680,055, plus strand): 5'-TCGATGCTGCGGTGGCGCATGCACATGCGTGTGAGCGCCGAGCCGATGTCCCTCGTGGCC[C>T]CTGGCGAGGCAAGCGCGGGGTGGGAAGGGGCCCGCTGGGGCCTGCGCAGTCCCGGCCTCG-3'
Protein context (NP_612392.1, residues 59-79): KVADMATNTR[Gly69Glu]ATRDIGSALT